The following is an entry in ClinVar:

NM_000891.3(KCNJ2):c.1043A>G (p.Tyr348Cys)

Gene: KCNJ2 (potassium inwardly rectifying channel subfamily J member 2; plus strand). Cytogenetic location: 17q24.3.
Variant type: single nucleotide variant.
Coding change: c.1043A>G on transcript NM_000891.3 (MANE Select); coding-DNA position 1043, A replaced by G.
Protein change: p.Tyr348Cys; replaces tyrosine 348 with cysteine.
Molecular consequence: missense variant.
Genome position (GRCh38, 1-based): chr17:70,176,082, A>G. VCF-style: chr17-70176082-A-G. GRCh37 (hg19) VCF-style: chr17-68172223-A-G.
Other names: p.Tyr348Cys; c.1043A>G (NM_000891.2); short protein forms Y348C.
Identifiers: ClinVar variation 1514057 (VCV001514057.10), dbSNP rs2144377812, ClinGen allele CA400863247.
Genomic context (GRCh38, chr17:70,176,082, plus strand): 5'-CTGTGCTCTTTGAAGAGAAGCACTACTACAAAGTGGACTATTCCAGGTTCCACAAAACTT[A>G]CGAAGTCCCCAACACTCCCCTTTGTAGTGCCAGAGACTTAGCAGAAAAGAAATATATCCT-3'
Protein context (NP_000882.1, residues 338-358): KVDYSRFHKT[Tyr348Cys]EVPNTPLCSA

ClinVar aggregate classification (germline): Uncertain significance. Review status: criteria provided, multiple submitters, no conflicts (2 of 4 stars). 3 submissions from 3 submitters: Uncertain significance (3). Last evaluated 2023-01-09.

Conditions:
Andersen Tawil syndrome (LQT7). Also called: Potassium-sensitive periodic paralysis, ventricular ectopy, and dysmorphic features; Andersen Syndrome; LONG QT SYNDROME 7; PERIODIC PARALYSIS, POTASSIUM-SENSITIVE CARDIODYSRHYTHMIC TYPE; ANDERSEN CARDIODYSRHYTHMIC PERIODIC PARALYSIS. Identifiers: Orphanet 37553, MedGen C1563715, MONDO:0008222, OMIM 170390.
Short QT syndrome type 3. Identifiers: Orphanet 51083, MedGen C1865018, MONDO:0012314, OMIM 609622.
Cardiovascular phenotype. Identifiers: MedGen CN230736.

Allele frequency attached by ClinVar (database versions not stated): gnomAD exomes below 0.00001.

Submissions (3):

Ambry Genetics
Classification: Uncertain significance for Cardiovascular phenotype. Last evaluated: 2023-01-09. Review status: criteria provided, single submitter. Criteria: Ambry Variant Classification Scheme 2023. Collection method: clinical testing. Allele origin: germline.
Comment: The p.Y348C variant (also known as c.1043A>G), located in coding exon 1 of the KCNJ2 gene, results from an A to G substitution at nucleotide position 1043. The tyrosine at codon 348 is replaced by cysteine, an amino acid with highly dissimilar properties. This amino acid position is highly conserved in available vertebrate species. In addition, this alteration is predicted to be deleterious by in silico analysis. Since supporting evidence is limited at this time, the clinical significance of this alteration remains unclear.

Labcorp Genetics (formerly Invitae), Labcorp
Classification: Uncertain significance for Short QT syndrome type 3; Andersen Tawil syndrome. Last evaluated: 2022-03-19. Review status: criteria provided, single submitter. Criteria: Invitae Variant Classification Sherloc (09022015). Collection method: clinical testing. Allele origin: germline.
Comment: This sequence change replaces tyrosine, which is neutral and polar, with cysteine, which is neutral and slightly polar, at codon 348 of the KCNJ2 protein (p.Tyr348Cys). This variant is not present in population databases (gnomAD no frequency). This variant has not been reported in the literature in individuals affected with KCNJ2-related conditions. Algorithms developed to predict the effect of missense changes on protein structure and function (SIFT, PolyPhen-2, Align-GVGD) all suggest that this variant is likely to be disruptive. In summary, the available evidence is currently insufficient to determine the role of this variant in disease. Therefore, it has been classified as a Variant of Uncertain Significance.

Clinical Genomics Laboratory, Stanford Medicine
Classification: Uncertain significance for Andersen Tawil syndrome. Last evaluated: 2021-06-07. Review status: criteria provided, single submitter. Criteria: ACMG Guidelines, 2015. Collection method: clinical testing. Allele origin: germline. Affected: yes. Observed: 1 heterozygote.
Comment: The p.Tyr348Cys variant in the KCNJ2 gene has not been previously reported in association with disease. This variant was absent from large population databases, including the Genome Aggregation Database. The tyrosine at position 348 is evolutionarily conserved and computational tools predict that the p.Tyr348Cys variant is deleterious; however, the accuracy of in silico algorithms is limited. These data were assessed using the ACMG/AMP variant interpretation guidelines. In summary, the significance of the p.Tyr348Cys variant is uncertain. Additional information is needed to resolve the significance of this variant. [ACMG evidence codes used: PM2; PP3]